The following is an entry in ClinVar:

NM_024675.4(PALB2):c.3495G>A (p.Ser1165=)

Gene: PALB2 (partner and localizer of BRCA2; minus strand). Cytogenetic location: 16p12.2.
Variant type: single nucleotide variant.
Coding change: c.3495G>A on transcript NM_024675.4 (MANE Select); coding-DNA position 3495, G replaced by A.
Protein change: p.Ser1165=; no amino-acid change (serine 1165 retained).
Molecular consequence: synonymous variant.
Genome position (GRCh38, 1-based): chr16:23,603,525, C>T on the plus strand (G>A on the coding strand, the complement: PALB2 is on the minus strand). VCF-style: chr16-23603525-C-T. GRCh37 (hg19) VCF-style: chr16-23614846-C-T.
Other names: p.S1165S:TCG>TCA; p.Ser1165=.
Identifiers: ClinVar variation 126745 (VCV000126745.92), dbSNP rs45439097, ClinGen allele CA292653.

ClinVar aggregate classification (germline): Benign/Likely benign. Review status: criteria provided, multiple submitters, no conflicts (2 of 4 stars). 28 submissions from 27 submitters: Benign (10); Likely benign (9). 9 of the submissions do not count toward it. Last evaluated 2026-09-01.

Conditions:
PALB2-related disorder. Also called: PALB2-related disorders; PALB2-related condition.
Breast-ovarian cancer, familial, susceptibility to, 5 (BROVCA5). Identifiers: MedGen C5830615, MONDO:0957530, OMIM 620442.
Breast and/or ovarian cancer. Identifiers: MedGen CN221562.
Hereditary cancer-predisposing syndrome. Also called: Neoplastic Syndromes, Hereditary; Hereditary Cancer Syndrome; Tumor predisposition; Hereditary neoplastic syndrome. Identifiers: Orphanet 140162, MedGen C0027672, MeSH D009386, MONDO:0015356.
Familial cancer of breast. Also called: hereditary breast carcinoma; BREAST CANCER, FAMILIAL; Hereditary breast cancer. Identifiers: Orphanet 227535, MedGen C0346153, MONDO:0016419, OMIM 114480. Disease mechanism: loss of function.
Fanconi anemia complementation group N. Also called: PALB2-Related Fanconi Anemia. Identifiers: Orphanet 84, MedGen C1835817, MONDO:0012565, OMIM 610832. Disease mechanism: loss of function.
Malignant tumor of breast. Also called: Malignant breast neoplasm; Cancer breast. Identifiers: MedGen C0006142, MONDO:0007254. Disease mechanism: loss of function.

Allele frequency attached by ClinVar (database versions not stated): gnomAD exomes 0.00062; ExAC 0.00066; ESP Exome Variant Server 0.00108; gnomAD 0.00109 and 0.00121; TOPMed 0.00117.
gnomAD v4.1: 2,243 of 1,613,960 alleles (0.14%); highest among the groups gnomAD compares: Non-Finnish European, 0.17%; no homozygotes.

Submissions 1 to 22 of 28:

CeGaT Center for Human Genetics Tuebingen
Classification: Likely benign. Last evaluated: 2026-09-01. Review status: criteria provided, single submitter. Criteria: CeGaT Center For Human Genetics Tuebingen Variant Classification Criteria Version 2. Collection method: clinical testing. Allele origin: germline. Affected: yes. Observed: 22 variant alleles.
Comment: PALB2: BP4, BP7

Labcorp Genetics (formerly Invitae), Labcorp
Classification: Benign for Familial cancer of breast. Last evaluated: 2026-02-04. Review status: criteria provided, single submitter. Criteria: Invitae Variant Classification Sherloc (09022015). Collection method: clinical testing. Allele origin: germline.

ARUP Laboratories, Molecular Genetics and Genomics, ARUP Laboratories
Classification: Benign. Last evaluated: 2025-06-10. Review status: criteria provided, single submitter. Criteria: ARUP Molecular Germline Variant Investigation Process 2024. Collection method: clinical testing. Allele origin: germline.

Center for Genomic Medicine, Rigshospitalet, Copenhagen University Hospital
Classification: Likely benign. Last evaluated: 2025-03-04. Review status: criteria provided, single submitter. Criteria: ACMG Guidelines, 2015. Collection method: clinical testing. Allele origin: germline.

Myriad Genetics, Inc.
Classification: Benign for Familial cancer of breast. Last evaluated: 2025-01-22. Review status: criteria provided, single submitter. Criteria: Myriad Autosomal Dominant, Autosomal Recessive and X-Linked Classification Criteria (2023). Collection method: clinical testing. Allele origin: unknown.
Comment: This variant is considered benign. This variant has been observed at a population frequency that is significantly greater than expected given the associated disease prevalence and penetrance. Homozygosity for this variant has been confirmed in one or more individuals lacking clinical features consistent with gene-specific recessive disease, indicating that this variant is unlikely to be pathogenic.

Blueprint Genetics
Classification: Likely benign. Last evaluated: 2024-11-27. Review status: criteria provided, single submitter. Criteria: ACMG Guidelines, 2015. Collection method: clinical testing. Allele origin: germline.

Dasa
Classification: Benign for Breast-ovarian cancer, familial, susceptibility to, 5. Last evaluated: 2024-11-19. Review status: criteria provided, single submitter. Criteria: DASA Assertion Criteria. Collection method: clinical testing. Allele origin: germline.
Comment: NM_024675.4(PALB2):c.3495G>A (p.Ser1165=) is interpreted as benign based on a combination of available evidence, including population frequency, and the mechanism of disease or impacted region being inconsistent with a known cause of pathogenicity. Based on the available data, this variant is classified as benign.

Mayo Clinic Laboratories, Mayo Clinic
Classification: Benign. Last evaluated: 2023-10-31. Review status: criteria provided, single submitter. Criteria: ACMG Guidelines, 2015. Collection method: clinical testing. Allele origin: germline. Observed: 2 variant alleles.
Comment: BS1, BP7_strong

CHEO Genetics Diagnostic Laboratory, Children's Hospital of Eastern Ontario
Classification: Likely benign for Breast and/or ovarian cancer. Last evaluated: 2023-04-26. Review status: criteria provided, single submitter. Criteria: ACMG Guidelines, 2015. Collection method: clinical testing. Allele origin: germline.

Quest Diagnostics Nichols Institute San Juan Capistrano
Classification: Benign. Last evaluated: 2022-06-24. Review status: criteria provided, single submitter. Criteria: Quest Diagnostics criteria. Collection method: clinical testing. Allele origin: unknown.

Department of Molecular Diagnostics, Institute of Oncology Ljubljana
Classification: Likely benign for Familial cancer of breast. Last evaluated: 2022-05-15. Review status: criteria provided, single submitter. Criteria: ACMG Guidelines, 2015. Collection method: clinical testing. Allele origin: germline. Affected: yes.
Comment: PALB2:c.3495G>A is present in 0.070% in the large population studies (GnomAd). The deep exonic variant is predicted to create a de novo donor splice site in the last exon (exon 13) of PALB2 by in silico splicing tools. Functional RNA study has shown that the variant does not cause splicing aberration (PMID: 35806449). Therefore the variant was classified as likely benign (ACMG/AMP: BS3-Stand alone, BS1, PP3).

Sema4
Classification: Likely benign for Hereditary cancer-predisposing syndrome. Last evaluated: 2021-06-23. Review status: criteria provided, single submitter. Criteria: Sema4 Curation Guidelines. Collection method: curation. Allele origin: germline.

Genetic Services Laboratory, University of Chicago
Classification: Benign. Last evaluated: 2021-05-03. Review status: criteria provided, single submitter. Criteria: ACMG Guidelines, 2015. Collection method: clinical testing. Allele origin: germline. Affected: no.

Illumina Laboratory Services, Illumina
Classification: Likely benign for Fanconi anemia complementation group N. Last evaluated: 2017-04-28. Review status: criteria provided, single submitter. Criteria: ICSL Variant Classification Criteria 13 December 2019. Collection method: clinical testing. Allele origin: germline.
Comment: This variant was observed as part of a predisposition screen in an ostensibly healthy population. A literature search was performed for the gene, cDNA change, and amino acid change (where applicable). No publications were found based on this search. Allele frequency data from public databases allowed determination this variant is unlikely to cause disease. Therefore, this variant is classified as likely benign.

Women's Health and Genetics/Laboratory Corporation of America, LabCorp
Classification: Benign. Last evaluated: 2016-04-18. Review status: criteria provided, single submitter. Criteria: LabCorp Variant Classification Summary - May 2015. Collection method: clinical testing. Allele origin: germline.
Comment: Variant summary: The c.3495G>A variant affects a non-conserved nucleotide, resulting in no amino acid change. One in-silico tool predicts damaging outcome for this variant. 5/5 programs in Alamut predict that this variant does not affect normal splicing, however, it may strengthen a cryptic 5' splicing donor site. ESE finder predicts that this variant may affect multiple ESE sites. However, these predictions are not confirmed by experimental studies. This variant is found in 89/125390 control chromosomes at a frequency of 0.0007098, which is about 5 times of the maximal expected frequency of a pathogenic allele (0.0001563), suggesting this variant is benign. In addition, mutliple clinical laboratories/reputable databases/literatures classified this variant as benign/polymorphism. Taken together, this variant was classified as benign.

Color Diagnostics, LLC DBA Color Health
Classification: Benign for Hereditary cancer-predisposing syndrome. Last evaluated: 2015-04-21. Review status: criteria provided, single submitter. Criteria: ACMG Guidelines, 2015. Collection method: clinical testing. Allele origin: germline.

Ambry Genetics
Classification: Likely benign for Hereditary cancer-predisposing syndrome. Last evaluated: 2014-06-15. Review status: criteria provided, single submitter. Criteria: Ambry Variant Classification Scheme 2023. Collection method: clinical testing. Allele origin: germline.

GeneDx
Classification: Benign. Last evaluated: 2013-12-25. Review status: criteria provided, single submitter. Criteria: GeneDx Variant Classification (06012015). Collection method: clinical testing. Allele origin: germline. Affected: yes.
Comment: This variant is considered likely benign or benign based on one or more of the following criteria: it is a conservative change, it occurs at a poorly conserved position in the protein, it is predicted to be benign by multiple in silico algorithms, and/or has population frequency not consistent with disease.

Breakthrough Genomics
Classification: Likely benign. Review status: criteria provided, single submitter. Criteria: ACMG Guidelines, 2015. Collection method: not provided. Allele origin: germline. Inheritance: Autosomal dominant inheritance. Affected: yes.

PreventionGenetics, part of Exact Sciences
Classification: Likely benign for PALB2-related condition. Last evaluated: 2024-05-02. Review status: no assertion criteria provided. Collection method: clinical testing. Allele origin: germline. Not counted in ClinVar's aggregate classification.
Comment: This variant is classified as likely benign based on ACMG/AMP sequence variant interpretation guidelines (Richards et al. 2015 PMID: 25741868, with internal and published modifications).

Leiden Open Variation Database
Classification: Likely benign. Last evaluated: 2019-05-13. Review status: no assertion criteria provided. Collection method: curation. Allele origin: germline. Affected: yes. Not counted in ClinVar's aggregate classification.
Comment: Curators: Marc Tischkowitz, Arleen D. Auerbach. Submitter to LOVD: Marc Tischkowitz.

Clinical Genetics DNA and cytogenetics Diagnostics Lab, Erasmus MC, Erasmus Medical Center
Classification: Likely benign. Review status: no assertion criteria provided. Collection method: clinical testing. Allele origin: germline. Affected: yes. Study: VKGL Data-share Consensus. Not counted in ClinVar's aggregate classification.